The following is an entry in ClinVar:

ClinVar aggregate classification (germline): Uncertain significance (1 of 4 stars; one submission).

Conditions:
Cardiovascular phenotype. Identifiers: MedGen CN230736.

gnomAD v4.1: 6 of 1,550,402 alleles (0.00039%); highest among the groups gnomAD compares: Non-Finnish European, 0.00052%; no homozygotes.

Submission:

Ambry Genetics
Classification: Uncertain significance for Cardiovascular phenotype. Last evaluated: 2023-05-04. Review status: criteria provided, single submitter. Criteria: Ambry Variant Classification Scheme 2023. Collection method: clinical testing. Allele origin: germline.
Comment: The p.P1794T variant (also known as c.5380C>A), located in coding exon 2 of the ZNF469 gene, results from a C to A substitution at nucleotide position 5380. The proline at codon 1794 is replaced by threonine, an amino acid with highly similar properties. This amino acid position is conserved. In addition, this alteration is predicted to be tolerated by in silico analysis. Since supporting evidence is limited at this time, the clinical significance of this alteration remains unclear.

NM_001367624.2(ZNF469):c.5464C>A (p.Pro1822Thr)

Gene: ZNF469 (zinc finger protein 469; plus strand). Cytogenetic location: 16q24.2.
Variant type: single nucleotide variant.
Coding change: c.5464C>A on transcript NM_001367624.2 (MANE Select); coding-DNA position 5464, C replaced by A.
Protein change: p.Pro1822Thr; replaces proline 1822 with threonine.
Molecular consequence: missense variant.
Genome position (GRCh38, 1-based): chr16:88,432,934, C>A. VCF-style: chr16-88432934-C-A. GRCh37 (hg19) VCF-style: chr16-88499342-C-A.
Other names: NM_001127464.1:c.5380C>A; short protein forms P1822T.
Identifiers: ClinVar variation 2564241 (VCV002564241.2), dbSNP rs749072244, ClinGen allele CA397100636.